The following is an entry in ClinVar:

ClinVar aggregate classification (germline): Uncertain significance (1 of 4 stars; one submission).

Conditions:
TH-deficient dopa-responsive dystonia. Also called: Tyrosine Hydroxylase-Deficient Dopa-Responsive Dystonia; Segawa syndrome, autosomal recessive; DYT-TH. Identifiers: Orphanet 101150, MedGen C2673535, MONDO:0011551, OMIM 605407.

Submission:

Labcorp Genetics (formerly Invitae), Labcorp
Classification: Uncertain significance for TH-deficient dopa-responsive dystonia. Last evaluated: 2022-07-11. Review status: criteria provided, single submitter. Criteria: Invitae Variant Classification Sherloc (09022015). Collection method: clinical testing. Allele origin: germline.
Comment: In summary, the available evidence is currently insufficient to determine the role of this variant in disease. Therefore, it has been classified as a Variant of Uncertain Significance. Algorithms developed to predict the effect of sequence changes on RNA splicing suggest that this variant may disrupt the consensus splice site. This variant has not been reported in the literature in individuals affected with TH-related conditions. This variant is not present in population databases (gnomAD no frequency). This sequence change falls in intron 5 of the TH gene. It does not directly change the encoded amino acid sequence of the TH protein.

NM_000360.4(TH):c.577-22_577-5del

Gene: TH (tyrosine hydroxylase; minus strand). Cytogenetic location: 11p15.5.
Variant type: Deletion.
Coding change: c.577-22_577-5del on transcript NM_000360.4 (MANE Select); 22 bases into the intron before coding-DNA position 577 through 5 bases into the intron before coding-DNA position 577, 18 bases deleted (CGTGCATCCCCTCTGCCC).
Molecular consequence: intron variant.
Genome position (GRCh38, 1-based): chr11:2,167,938-2,167,955, GGGCAGAGGGGATGCACG deleted on the plus strand (CGTGCATCCCCTCTGCCC on the coding strand, the reverse complement: TH is on the minus strand); deleting any 18 consecutive bases within chr11:2,167,938-2,167,957 gives the same sequence; the c. name uses the placement nearest the transcript's 3' end. VCF-style (leftmost placement, unchanged base first): chr11-2167937-AGGGCAGAGGGGATGCACG-A. GRCh37 (hg19) VCF-style: chr11-2189167-AGGGCAGAGGGGATGCACG-A.
Other names: c.658-22_658-5del (NM_199293.3); c.670-22_670-5del (NM_199292.3).
Identifiers: ClinVar variation 2015982 (VCV002015982.4), dbSNP rs2495816082, ClinGen allele CA2580082611.